The following is an entry in ClinVar:

ClinVar aggregate classification (germline): Uncertain significance (1 of 4 stars; one submission).

Allele frequency attached by ClinVar (database versions not stated): gnomAD exomes below 0.00001.
gnomAD v4.1: 2 of 1,612,222 alleles (0.00012%); highest among the groups gnomAD compares: Non-Finnish European, 0.000085%; no homozygotes.

Submission:

Labcorp Genetics (formerly Invitae), Labcorp
Classification: Uncertain significance. Last evaluated: 2022-03-04. Review status: criteria provided, single submitter. Criteria: Invitae Variant Classification Sherloc (09022015). Collection method: clinical testing. Allele origin: germline.
Comment: This variant has not been reported in the literature in individuals affected with ANK3-related conditions. Algorithms developed to predict the effect of missense changes on protein structure and function are either unavailable or do not agree on the potential impact of this missense change (SIFT: "Not Available"; PolyPhen-2: "Benign"; Align-GVGD: "Not Available"). In summary, the available evidence is currently insufficient to determine the role of this variant in disease. Therefore, it has been classified as a Variant of Uncertain Significance. This sequence change replaces lysine, which is basic and polar, with arginine, which is basic and polar, at codon 577 of the ANK3 protein (p.Lys577Arg). This variant is not present in population databases (gnomAD no frequency).

NM_020987.5(ANK3):c.1730A>G (p.Lys577Arg)

Gene: ANK3 (ankyrin 3; minus strand). Cytogenetic location: 10q21.2.
Variant type: single nucleotide variant.
Coding change: c.1730A>G on transcript NM_020987.5 (MANE Select); coding-DNA position 1730, A replaced by G.
Protein change: p.Lys577Arg; replaces lysine 577 with arginine.
Molecular consequence: missense variant.
Genome position (GRCh38, 1-based): chr10:60,196,585, T>C on the plus strand (A>G on the coding strand, the complement: ANK3 is on the minus strand). VCF-style: chr10-60196585-T-C. GRCh37 (hg19) VCF-style: chr10-61956343-T-C.
Other names: c.1712A>G, p.Lys571Arg (NM_001204403.2); c.1679A>G, p.Lys560Arg (NM_001204404.2); c.1730A>G, p.Lys577Arg (NM_001320874.2); short protein forms K577R, K560R, K571R.
Identifiers: ClinVar variation 1969709 (VCV001969709.5), dbSNP rs2493363316, ClinGen allele CA376989197.